The following is an entry in ClinVar:

NM_000459.5(TEK):c.*381C>G

Gene: TEK (TEK receptor tyrosine kinase; plus strand). Cytogenetic location: 9p21.2.
Variant type: single nucleotide variant.
Coding change: c.*381C>G on transcript NM_000459.5 (MANE Select); 381 bases downstream of the stop codon, C replaced by G.
Molecular consequence: 3 prime UTR variant.
Genome position (GRCh38, 1-based): chr9:27,229,613, C>G. VCF-style: chr9-27229613-C-G. GRCh37 (hg19) VCF-style: chr9-27229611-C-G.
Other names: c.*381C>G (NM_001290077.2, NM_001290078.2, NM_001375475.1 and 1 more transcripts).
Identifiers: ClinVar variation 366465 (VCV000366465.6), dbSNP rs10967789, ClinGen allele CA10633406.

ClinVar aggregate classification (germline): Benign. Review status: criteria provided, multiple submitters, no conflicts (2 of 4 stars). 2 submissions from 2 submitters: Benign (2). Last evaluated 2018-01-12.

Conditions:
Multiple cutaneous and mucosal venous malformations (VMCM). Also called: TEK-Related Multiple Cutaneous and Mucosal Venous Malformations (VMCM). Identifiers: Orphanet 2451, MedGen C1838437, MONDO:0010842, OMIM 600195.

Allele frequency attached by ClinVar (database versions not stated): TOPMed 0.01858; 1000 Genomes Project 0.03534; gnomAD 0.02463 and 0.02548; gnomAD exomes 0.02743; 1000 Genomes Project 30x 0.03279.
gnomAD v4.1: 6,663 of 254,338 alleles (2.6%); highest among the groups gnomAD compares: East Asian, 9.9%; 200 homozygotes.

Submissions (2):

Illumina Laboratory Services, Illumina
Classification: Benign for Multiple cutaneous and mucosal venous malformations. Last evaluated: 2018-01-12. Review status: criteria provided, single submitter. Criteria: ICSL Variant Classification Criteria 13 December 2019. Collection method: clinical testing. Allele origin: germline.
Comment: This variant was observed in the ICSL laboratory as part of a predisposition screen in an ostensibly healthy population. It had not been previously curated by ICSL or reported in the Human Gene Mutation Database (HGMD: prior to June 1st, 2018), and was therefore a candidate for classification through an automated scoring system. Utilizing variant allele frequency, disease prevalence and penetrance estimates, and inheritance mode, an automated score was calculated to assess if this variant is too frequent to cause the disease. Based on the score and internal cut-off values, a variant classified as benign is not then subjected to further curation. The score for this variant resulted in a classification of benign for this disease.

Breakthrough Genomics
Classification: Benign. Review status: criteria provided, single submitter. Criteria: ACMG Guidelines, 2015. Collection method: not provided. Allele origin: germline. Inheritance: Autosomal dominant inheritance. Affected: yes.